The following is an entry in ClinVar:

NM_022089.4(ATP13A2):c.*158T>C

Gene: ATP13A2 (ATPase cation transporting 13A2; minus strand). Cytogenetic location: 1p36.13.
Variant type: single nucleotide variant.
Coding change: c.*158T>C on transcript NM_022089.4 (MANE Select); 158 bases downstream of the stop codon, T replaced by C.
Molecular consequence: 3 prime UTR variant. On other transcripts: synonymous variant (1).
Genome position (GRCh38, 1-based): chr1:16,986,063, A>G on the plus strand (T>C on the coding strand, the complement: ATP13A2 is on the minus strand). VCF-style: chr1-16986063-A-G. GRCh37 (hg19) VCF-style: chr1-17312558-A-G.
Other names: c.*158T>C (NM_001141973.3); c.3399T>C, p.Val1133= (NM_001141974.3).
Identifiers: ClinVar variation 293760 (VCV000293760.49), dbSNP rs185521359, ClinGen allele CA636412.

ClinVar aggregate classification (germline): Likely benign. Review status: criteria provided, multiple submitters, no conflicts (2 of 4 stars). 4 submissions from 4 submitters: Likely benign (4). Last evaluated 2026-08-01.

Conditions:
Kufor-Rakeb syndrome (KRS). Also called: PARKINSON DISEASE 9, AUTOSOMAL RECESSIVE, JUVENILE-ONSET. Identifiers: Orphanet 306674, Orphanet 314632, MedGen C1847640, MONDO:0011706, OMIM 606693.

Allele frequency attached by ClinVar (database versions not stated): 1000 Genomes Project 30x 0.00062; 1000 Genomes Project 0.00080; TOPMed 0.00231; ESP Exome Variant Server 0.00307.
gnomAD v4.1: 5,140 of 1,514,874 alleles (0.34%); highest among the groups gnomAD compares: Non-Finnish European, 0.42%; 19 homozygotes.

Submissions (4):

CeGaT Center for Human Genetics Tuebingen
Classification: Likely benign. Last evaluated: 2026-08-01. Review status: criteria provided, single submitter. Criteria: CeGaT Center For Human Genetics Tuebingen Variant Classification Criteria Version 2. Collection method: clinical testing. Allele origin: germline. Affected: yes. Observed: 25 variant alleles.
Comment: ATP13A2: BP4, BP7, BS2

Blueprint Genetics
Classification: Likely benign. Last evaluated: 2024-11-22. Review status: criteria provided, single submitter. Criteria: ACMG Guidelines, 2015. Collection method: clinical testing. Allele origin: germline.

Illumina Laboratory Services, Illumina
Classification: Likely benign for Kufor-Rakeb syndrome. Last evaluated: 2018-01-13. Review status: criteria provided, single submitter. Criteria: ICSL Variant Classification Criteria 13 December 2019. Collection method: clinical testing. Allele origin: germline.
Comment: This variant was observed in the ICSL laboratory as part of a predisposition screen in an ostensibly healthy population. It had not been previously curated by ICSL or reported in the Human Gene Mutation Database (HGMD: prior to June 1st, 2018), and was therefore a candidate for classification through an automated scoring system. Utilizing variant allele frequency, disease prevalence and penetrance estimates, and inheritance mode, an automated score was calculated to assess if this variant is too frequent to cause the disease. Based on the score and internal cut-off values, a variant classified as likely benign is not then subjected to further curation. The score for this variant resulted in a classification of likely benign for this disease.

Breakthrough Genomics
Classification: Likely benign. Review status: criteria provided, single submitter. Criteria: ACMG Guidelines, 2015. Collection method: not provided. Allele origin: germline. Inheritance: Autosomal recessive inheritance. Affected: yes.